The following is an entry in ClinVar:

ClinVar aggregate classification (germline): Conflicting classifications of pathogenicity. Review status: criteria provided, conflicting classifications (1 of 4 stars). 2 submissions from 2 submitters: Uncertain significance (1); Likely benign (1). Last evaluated 2023-07-01.

Conditions:
Episodic ataxia type 1 (EA1). Also called: Episodic ataxia/myokymia syndrome; MYOKYMIA WITH PERIODIC ATAXIA; PAROXYSMAL ATAXIA WITH NEUROMYOTONIA, HEREDITARY; ATAXIA, EPISODIC, WITH MYOKYMIA. Identifiers: Orphanet 37612, Orphanet 972, MedGen C1719788, MONDO:0008047, OMIM 160120.

Allele frequency attached by ClinVar (database versions not stated): 1000 Genomes Project 30x 0.00016; 1000 Genomes Project 0.00020; TOPMed 0.00040; gnomAD 0.00060 and 0.00062; gnomAD exomes 0.00311.

Submissions (2):

CeGaT Center for Human Genetics Tuebingen
Classification: Likely benign. Last evaluated: 2023-07-01. Review status: criteria provided, single submitter. Criteria: CeGaT Center For Human Genetics Tuebingen Variant Classification Criteria Version 2. Collection method: clinical testing. Allele origin: germline. Affected: yes. Observed: 1 variant allele.
Comment: KCNA1: BS1

Illumina Laboratory Services, Illumina
Classification: Uncertain significance for Episodic ataxia type 1. Last evaluated: 2018-01-13. Review status: criteria provided, single submitter. Criteria: ICSL Variant Classification Criteria 13 December 2019. Collection method: clinical testing. Allele origin: germline.

NM_000217.3(KCNA1):c.*3588T>C

Gene: KCNA1 (potassium voltage-gated channel subfamily A member 1; plus strand). Cytogenetic location: 12p13.32.
Variant type: single nucleotide variant.
Coding change: c.*3588T>C on transcript NM_000217.3 (MANE Select); 3588 bases downstream of the stop codon, T replaced by C.
Molecular consequence: 3 prime UTR variant.
Genome position (GRCh38, 1-based): chr12:4,916,454, T>C. VCF-style: chr12-4916454-T-C. GRCh37 (hg19) VCF-style: chr12-5025620-T-C.
Identifiers: ClinVar variation 309204 (VCV000309204.31), dbSNP rs535813845, ClinGen allele CA10641594.